The following is an entry in ClinVar:

NM_000466.3(PEX1):c.568del (p.Ser190fs)

Gene: PEX1 (peroxisomal biogenesis factor 1; minus strand). Cytogenetic location: 7q21.2.
Variant type: Deletion.
Coding change: c.568del on transcript NM_000466.3 (MANE Select); coding-DNA position 568, one base deleted (T; older notation c.568delT).
Protein change: p.Ser190fs; shifts the reading frame from serine 190.
Molecular consequence: frameshift variant. On other transcripts: 5 prime UTR variant (1).
Genome position (GRCh38, 1-based): chr7:92,517,947, A deleted on the plus strand (T on the coding strand, the reverse complement: PEX1 is on the minus strand); the first of 4 consecutive A bases (chr7:92,517,947-92,517,950); deleting any one gives the same sequence. VCF-style (leftmost placement, unchanged base first): chr7-92517946-GA-G. GRCh37 (hg19) VCF-style: chr7-92147260-GA-G.
Other names: c.568del, p.Ser190fs (NM_001282677.2); c.-57del (NM_001282678.2); short protein forms S190fs.
Identifiers: ClinVar variation 1997869 (VCV001997869.4), dbSNP rs2484704040, ClinGen allele CA2580077845.
Genomic context (GRCh38, chr7:92,517,946, plus strand): 5'-ATCATTCCTTTCTGGTCTCTTCCATAACTATGAAGTTTTTTATATTCAGCATCAGCTTTT[GA>G]AAATGTATTCTCTTTGGCTCGGCGTGTCTTTGGCTGAATAAGGAGTTTGGTGTCAGTTTC-3'

ClinVar aggregate classification (germline): Pathogenic (1 of 4 stars; one submission).

Conditions:
Zellweger spectrum disorders (ZS). Also called: Zellweger Spectrum Disorder; Zellweger Spectrum; Zellweger syndrome; Zellweger Spectrum Disorder (ZSD). Identifiers: Orphanet 912, MedGen C0043459, MONDO:0019609.

Submission:

Labcorp Genetics (formerly Invitae), Labcorp
Classification: Pathogenic for Zellweger spectrum disorders. Last evaluated: 2022-05-22. Review status: criteria provided, single submitter. Criteria: Invitae Variant Classification Sherloc (09022015). Collection method: clinical testing. Allele origin: germline.
Comment: For these reasons, this variant has been classified as Pathogenic. This variant has not been reported in the literature in individuals affected with PEX1-related conditions. This variant is not present in population databases (gnomAD no frequency). This sequence change creates a premature translational stop signal (p.Ser190Glnfs*20) in the PEX1 gene. It is expected to result in an absent or disrupted protein product. Loss-of-function variants in PEX1 are known to be pathogenic (PMID: 9398847, 16086329, 16141001, 21031596, 26387595, 31831025).

Literature cited by the submitters: PubMed 9398847; PubMed 16086329; PubMed 16141001; PubMed 21031596; PubMed 26387595; PubMed 31831025.